The following is an entry in ClinVar:

ClinVar aggregate classification (germline): Uncertain significance. Review status: criteria provided, multiple submitters, no conflicts (2 of 4 stars). 2 submissions from 2 submitters: Uncertain significance (2). Last evaluated 2025-10-22.

Conditions:
Inborn genetic diseases. Identifiers: MedGen C0950123, MeSH D030342.

Allele frequency attached by ClinVar (database versions not stated): TOPMed 0.00002; gnomAD 0.00001; gnomAD exomes 0.00003.
gnomAD v4.1: 37 of 1,575,284 alleles (0.0023%); highest among the groups gnomAD compares: East Asian, 0.014%; no homozygotes.

Submissions (2):

Ambry Genetics
Classification: Uncertain significance for Inborn genetic diseases. Last evaluated: 2025-10-22. Review status: criteria provided, single submitter. Criteria: Ambry Variant Classification Scheme 2023. Collection method: clinical testing. Allele origin: germline.

Labcorp Genetics (formerly Invitae), Labcorp
Classification: Uncertain significance. Last evaluated: 2022-06-19. Review status: criteria provided, single submitter. Criteria: Invitae Variant Classification Sherloc (09022015). Collection method: clinical testing. Allele origin: germline.
Comment: This sequence change replaces aspartic acid, which is acidic and polar, with asparagine, which is neutral and polar, at codon 1823 of the MYO7A protein (p.Asp1823Asn). The frequency data for this variant in the population databases is considered unreliable, as metrics indicate poor data quality at this position in the gnomAD database. This variant has not been reported in the literature in individuals affected with MYO7A-related conditions. Advanced modeling of protein sequence and biophysical properties (such as structural, functional, and spatial information, amino acid conservation, physicochemical variation, residue mobility, and thermodynamic stability) performed at Invitae indicates that this missense variant is not expected to disrupt MYO7A protein function. In summary, the available evidence is currently insufficient to determine the role of this variant in disease. Therefore, it has been classified as a Variant of Uncertain Significance.

NM_000260.4(MYO7A):c.5467G>A (p.Asp1823Asn)

Gene: MYO7A (myosin VIIA; plus strand). Cytogenetic location: 11q13.5.
Variant type: single nucleotide variant.
Coding change: c.5467G>A on transcript NM_000260.4 (MANE Select); coding-DNA position 5467, G replaced by A.
Protein change: p.Asp1823Asn; replaces aspartic acid 1823 with asparagine.
Molecular consequence: missense variant.
Genome position (GRCh38, 1-based): chr11:77,204,216, G>A. VCF-style: chr11-77204216-G-A. GRCh37 (hg19) VCF-style: chr11-76915261-G-A.
Other names: c.5353G>A, p.Asp1785Asn (NM_001127180.2); c.5320G>A, p.Asp1774Asn (NM_001369365.1); c.5467G>A (NM_000260.3); short protein forms D1823N, D1774N, D1785N.
Identifiers: ClinVar variation 2146728 (VCV002146728.2), dbSNP rs964028538, ClinGen allele CA224853333.